The following is an entry in ClinVar:

ClinVar aggregate classification (germline): Uncertain significance (1 of 4 stars; one submission).

Conditions:
Atrioventricular septal defect 5 (AVSD5). Identifiers: MedGen C3280939, MONDO:0013769, OMIM 614474.

gnomAD v4.1: 1 of 1,250,616 alleles (0.00008%); no homozygotes.

Submission:

Labcorp Genetics (formerly Invitae), Labcorp
Classification: Uncertain significance for Atrioventricular septal defect 5. Last evaluated: 2023-02-22. Review status: criteria provided, single submitter. Criteria: Invitae Variant Classification Sherloc (09022015). Collection method: clinical testing. Allele origin: germline.
Comment: This variant is not present in population databases (gnomAD no frequency). This sequence change replaces glycine, which is neutral and non-polar, with arginine, which is basic and polar, at codon 297 of the GATA6 protein (p.Gly297Arg). This variant has not been reported in the literature in individuals affected with GATA6-related conditions. In summary, the available evidence is currently insufficient to determine the role of this variant in disease. Therefore, it has been classified as a Variant of Uncertain Significance. Advanced modeling of protein sequence and biophysical properties (such as structural, functional, and spatial information, amino acid conservation, physicochemical variation, residue mobility, and thermodynamic stability) performed at Invitae indicates that this missense variant is not expected to disrupt GATA6 protein function.

NM_005257.6(GATA6):c.889G>C (p.Gly297Arg)

Gene: GATA6 (GATA binding protein 6; plus strand). Cytogenetic location: 18q11.2.
Variant type: single nucleotide variant.
Coding change: c.889G>C on transcript NM_005257.6 (MANE Select); coding-DNA position 889, G replaced by C.
Protein change: p.Gly297Arg; replaces glycine 297 with arginine.
Molecular consequence: missense variant.
Genome position (GRCh38, 1-based): chr18:22,172,033, G>C. VCF-style: chr18-22172033-G-C. GRCh37 (hg19) VCF-style: chr18-19751994-G-C.
Other names: short protein forms G297R.
Identifiers: ClinVar variation 2740010 (VCV002740010.3), dbSNP rs2033058660, ClinGen allele CA401801263.
Genomic context (GRCh38, chr18:22,172,033, plus strand): 5'-CGGGAGCCGGGAGGCTACGCGGCGGCGGGCAGTGGGGGCGCGGGAGGCGTGAGCGGCGGC[G>C]GCAGTAGCCTGGCGGCCATGGGCGGCCGCGAGCCCCAGTACAGCTCGCTGTCGGCCGCGC-3'
Protein context (NP_005248.2, residues 287-307): SGGAGGVSGG[Gly297Arg]SSLAAMGGRE